The following is an entry in ClinVar:

NM_002578.5(PAK3):c.161G>T (p.Gly54Val)

Genes: PAK3 (p21 (RAC1) activated kinase 3; plus strand), LOC130068562 (ATAC-STARR-seq lymphoblastoid active region 29857; plus strand). Cytogenetic location: Xq23.
Variant type: single nucleotide variant.
Coding change: c.161G>T on transcript NM_002578.5 (MANE Select); coding-DNA position 161, G replaced by T.
Protein change: p.Gly54Val; replaces glycine 54 with valine.
Molecular consequence: missense variant. On other transcripts: non-coding transcript variant (9).
Genome position (GRCh38, 1-based): chrX:111,123,264, G>T. VCF-style: chrX-111123264-G-T. GRCh37 (hg19) VCF-style: chrX-110366492-G-T.
Other names: c.161G>T, p.Gly54Val (NM_001128166.3, NM_001128167.3, NM_001128168.3 and 12 more transcripts); short protein forms G54V.
Identifiers: ClinVar variation 1776581 (VCV001776581.3), dbSNP rs150741170, ClinGen allele CA10492572.

ClinVar aggregate classification (germline): Uncertain significance (1 of 4 stars; one submission).

Conditions:
Inborn genetic diseases. Identifiers: MedGen C0950123, MeSH D030342.

Allele frequency attached by ClinVar (database versions not stated): gnomAD exomes 0.00001; gnomAD 0.00002; ExAC 0.00001; ESP Exome Variant Server 0.00009; TOPMed 0.00001.
gnomAD v4.1: 14 of 1,203,427 alleles (0.0012%); highest among the groups gnomAD compares: Non-Finnish European, 0.0016%; no homozygotes.

Submission:

Ambry Genetics
Classification: Uncertain significance for Inborn genetic diseases. Last evaluated: 2025-10-28. Review status: criteria provided, single submitter. Criteria: Ambry Variant Classification Scheme 2023. Collection method: clinical testing. Allele origin: germline.
Comment: The c.161G>T (p.G54V) alteration is located in exon 5 (coding exon 1) of the PAK3 gene. This alteration results from a G to T substitution at nucleotide position 161, causing the glycine (G) at amino acid position 54 to be replaced by a valine (V). Based on data from gnomAD, the T allele has an overall frequency of <0.001% (1/182603) total alleles studied. The highest observed frequency was 0.001% (1/81163) of European (non-Finnish) alleles. Based on insufficient or conflicting evidence, the clinical significance of this alteration remains unclear.